The following is an entry in ClinVar:

ClinVar aggregate classification (germline): Benign (0 of 4 stars; one submission).

Conditions:
MYO7B-related disorder. Also called: MYO7B-related condition.

Allele frequency attached by ClinVar (database versions not stated): TOPMed 0.16576; ESP Exome Variant Server 0.16637; gnomAD 0.18090; gnomAD exomes 0.20145; 1000 Genomes Project 30x 0.20643; 1000 Genomes Project 0.20667; ExAC 0.28279.
gnomAD v4.1: 313,866 of 1,575,820 alleles (20%); highest among the groups gnomAD compares: South Asian, 36%; 33,238 homozygotes.

Submission:

PreventionGenetics, part of Exact Sciences
Classification: Benign for MYO7B-related condition. Last evaluated: 2019-10-21. Review status: no assertion criteria provided. Collection method: clinical testing. Allele origin: germline.
Comment: This variant is classified as benign based on ACMG/AMP sequence variant interpretation guidelines (Richards et al. 2015 PMID: 25741868, with internal and published modifications).

NM_001393586.1(MYO7B):c.6392A>G (p.Gln2131Arg)

Gene: MYO7B (myosin VIIB; plus strand). Cytogenetic location: 2q14.3.
Variant type: single nucleotide variant.
Coding change: c.6392A>G on transcript NM_001393586.1 (MANE Select); coding-DNA position 6392, A replaced by G.
Protein change: p.Gln2131Arg; replaces glutamine 2131 with arginine.
Molecular consequence: missense variant.
Genome position (GRCh38, 1-based): chr2:127,637,380, A>G. VCF-style: chr2-127637380-A-G. GRCh37 (hg19) VCF-style: chr2-128394955-A-G.
Other names: c.6314A>G, p.Gln2105Arg (NM_001080527.2); c.2873A>G, p.Gln958Arg (NM_001393594.1); short protein forms Q2105R, Q2131R, Q958R.
Identifiers: ClinVar variation 3056333 (VCV003056333.2), dbSNP rs11686946, ClinGen allele CA1862737.